The following is an entry in ClinVar:

ClinVar aggregate classification (germline): Pathogenic (1 of 4 stars; one submission).

Conditions:
Hypertrophic cardiomyopathy 26. Also called: Cardiomyopathy, familial hypertrophic, 26. Identifiers: Orphanet 75249, MedGen C4310749, MONDO:0014883, OMIM 617047.
Myofibrillar myopathy 5. Also called: Filaminopathy (type); FILAMINOPATHY, AUTOSOMAL DOMINANT. Identifiers: Orphanet 171445, MedGen C1836050, MONDO:0012289, OMIM 609524.
Distal myopathy with posterior leg and anterior hand involvement. Also called: WILLIAMS DISTAL MYOPATHY. Identifiers: Orphanet 63273, MedGen C3279722, MONDO:0013550, OMIM 614065.

Submission:

Labcorp Genetics (formerly Invitae), Labcorp
Classification: Pathogenic for Distal myopathy with posterior leg and anterior hand involvement; Myofibrillar myopathy 5; Hypertrophic cardiomyopathy 26. Last evaluated: 2023-06-16. Review status: criteria provided, single submitter. Criteria: Invitae Variant Classification Sherloc (09022015). Collection method: clinical testing. Allele origin: germline.
Comment: For these reasons, this variant has been classified as Pathogenic. This variant has not been reported in the literature in individuals affected with FLNC-related conditions. Information on the frequency of this variant in the gnomAD database is not available, as this variant may be reported differently in the database. This sequence change creates a premature translational stop signal (p.Gln79*) in the FLNC gene. It is expected to result in an absent or disrupted protein product. Loss-of-function variants in FLNC are known to be pathogenic (PMID: 27908349).

Literature cited by the submitters: PubMed 27908349.

NM_001458.5(FLNC):c.234_235delinsTT (p.Gln79Ter)

Gene: FLNC (filamin C; plus strand). Cytogenetic location: 7q32.1.
Variant type: Indel.
Coding change: c.234_235delinsTT on transcript NM_001458.5 (MANE Select); coding-DNA positions 234 to 235, CC replaced by TT.
Protein change: p.Gln79Ter; replaces glutamine 79 with a stop codon.
Molecular consequence: nonsense.
Genome position (GRCh38, 1-based): chr7:128,830,871-128,830,872, CC replaced by TT. VCF-style: chr7-128830871-CC-TT. GRCh37 (hg19) VCF-style: chr7-128470925-CC-TT.
Other names: c.234_235delinsTT, p.Gln79Ter (NM_001127487.2); short protein forms Q79*.
Identifiers: ClinVar variation 2948927 (VCV002948927.3), dbSNP rs2536605481, ClinGen allele CA2740097528.